The following is an entry in ClinVar:

NM_005188.4(CBL):c.517C>T (p.Leu173Phe)

Gene: CBL (Cbl proto-oncogene; plus strand). Cytogenetic location: 11q23.3.
Variant type: single nucleotide variant.
Coding change: c.517C>T on transcript NM_005188.4 (MANE Select); coding-DNA position 517, C replaced by T.
Protein change: p.Leu173Phe; replaces leucine 173 with phenylalanine.
Molecular consequence: missense variant.
Genome position (GRCh38, 1-based): chr11:119,271,808, C>T. VCF-style: chr11-119271808-C-T. GRCh37 (hg19) VCF-style: chr11-119142518-C-T.
Other names: short protein forms L173F.
Identifiers: ClinVar variation 5033775 (VCV005033775.1).

ClinVar aggregate classification (germline): Uncertain significance (1 of 4 stars; one submission).

Conditions:
Cardiovascular phenotype. Identifiers: MedGen CN230736.

Submission:

Ambry Genetics
Classification: Uncertain significance for Cardiovascular phenotype. Last evaluated: 2026-08-31. Review status: criteria provided, single submitter. Criteria: Ambry Variant Classification Scheme 2023. Collection method: clinical testing. Allele origin: germline.
Comment: The p.L173F variant (also known as c.517C>T), located in coding exon 3 of the CBL gene, results from a C to T substitution at nucleotide position 517. The leucine at codon 173 is replaced by phenylalanine, an amino acid with highly similar properties. This amino acid position is conserved. In addition, the in silico prediction for this alteration is inconclusive. Based on the available evidence, the clinical significance of this variant remains unclear.